The following is an entry in ClinVar:

ClinVar aggregate classification (germline): Uncertain significance (1 of 4 stars; one submission).

Conditions:
Cardiovascular phenotype. Identifiers: MedGen CN230736.

gnomAD v4.1: 26 of 1,612,674 alleles (0.0016%); highest among the groups gnomAD compares: Non-Finnish European, 0.0021%; no homozygotes.

Submission:

Ambry Genetics
Classification: Uncertain significance for Cardiovascular phenotype. Last evaluated: 2019-05-10. Review status: criteria provided, single submitter. Criteria: Ambry Variant Classification Scheme 2023. Collection method: clinical testing. Allele origin: germline.
Comment: The p.E6650D variant (also known as c.19950G>C), located in coding exon 79 of the TTN gene, results from a G to C substitution at nucleotide position 19950. The glutamic acid at codon 6650 is replaced by aspartic acid, an amino acid with highly similar properties. This amino acid position is highly conserved in available vertebrate species. In addition, this alteration is predicted to be benign and unknown by PolyPhen and SIFT in silico analyses, respectively. Since supporting evidence is limited at this time, the clinical significance of this alteration remains unclear.

NM_001267550.2(TTN):c.47145G>C (p.Glu15715Asp)

Genes: TTN (titin; minus strand), TTN-AS1 (TTN antisense RNA 1; plus strand). Cytogenetic location: 2q31.2.
Variant type: single nucleotide variant.
Coding change: c.47145G>C on transcript NM_001267550.2 (MANE Select); coding-DNA position 47145, G replaced by C.
Protein change: p.Glu15715Asp; replaces glutamic acid 15715 with aspartic acid.
Molecular consequence: missense variant.
Genome position (GRCh38, 1-based): chr2:178,618,313, C>G on the plus strand (G>C on the coding strand, the complement: TTN is on the minus strand). VCF-style: chr2-178618313-C-G. GRCh37 (hg19) VCF-style: chr2-179483040-C-G.
Other names: c.42222G>C, p.Glu14074Asp (NM_001256850.1); c.19950G>C, p.Glu6650Asp (NM_003319.4); c.39441G>C, p.Glu13147Asp (NM_133378.4); c.20325G>C, p.Glu6775Asp (NM_133432.3); c.20526G>C, p.Glu6842Asp (NM_133437.4); short protein forms E6775D, E6842D, E13147D, E15715D, E6650D, E14074D.
Identifiers: ClinVar variation 1784034 (VCV001784034.2), dbSNP rs553017488, ClinGen allele CA349619508.